The following is an entry in ClinVar:

ClinVar aggregate classification (germline): Uncertain significance. Review status: criteria provided, multiple submitters, no conflicts (2 of 4 stars). 5 submissions from 5 submitters: Uncertain significance (5). Last evaluated 2026-01-13.

Conditions:
FAT4-related disorder. Also called: FAT4-related condition.
Inborn genetic diseases. Identifiers: MedGen C0950123, MeSH D030342.
Hennekam lymphangiectasia-lymphedema syndrome 2 (HKLLS2). Identifiers: Orphanet 2136, MedGen C4014939, MONDO:0014454, OMIM 616006.
Van Maldergem syndrome 2 (VMLDS2). Identifiers: Orphanet 314679, MedGen C3809875, MONDO:0014242, OMIM 615546.

Allele frequency attached by ClinVar (database versions not stated): gnomAD exomes 0.00001 and 0.00004; ExAC 0.00002; TOPMed 0.00003; ESP Exome Variant Server 0.00015.
gnomAD v4.1: 14 of 1,614,008 alleles (0.00087%); highest among the groups gnomAD compares: Admixed American, 0.01%; no homozygotes.

Submissions (5):

Labcorp Genetics (formerly Invitae), Labcorp
Classification: Uncertain significance. Last evaluated: 2026-01-13. Review status: criteria provided, single submitter. Criteria: Invitae Variant Classification Sherloc (09022015). Collection method: clinical testing. Allele origin: germline.
Comment: This sequence change replaces threonine, which is neutral and polar, with asparagine, which is neutral and polar, at codon 3352 of the FAT4 protein (p.Thr3352Asn). This variant is present in population databases (rs145285004, gnomAD 0.02%). This variant has not been reported in the literature in individuals affected with FAT4-related conditions. ClinVar contains an entry for this variant (Variation ID: 449771). Invitae Evidence Modeling of protein sequence and biophysical properties (such as structural, functional, and spatial information, amino acid conservation, physicochemical variation, residue mobility, and thermodynamic stability) indicates that this missense variant is not expected to disrupt FAT4 protein function with a negative predictive value of 80%. In summary, the available evidence is currently insufficient to determine the role of this variant in disease. Therefore, it has been classified as a Variant of Uncertain Significance.

Ambry Genetics
Classification: Uncertain significance for Inborn genetic diseases. Last evaluated: 2025-11-26. Review status: criteria provided, single submitter. Criteria: Ambry Variant Classification Scheme 2023. Collection method: clinical testing. Allele origin: germline.

PreventionGenetics, part of Exact Sciences
Classification: Uncertain significance for FAT4-related condition. Last evaluated: 2025-06-20. Review status: criteria provided, single submitter. Criteria: ACMG Guidelines, 2015. Collection method: clinical testing. Allele origin: germline.
Comment: The FAT4 c.10061C>A variant is predicted to result in the amino acid substitution p.Thr3354Asn. To our knowledge, this variant has not been reported in the literature. This variant is reported in 0.017% of alleles in individuals of Latino descent in gnomAD. At this time, the clinical significance of this variant is uncertain due to the absence of conclusive functional and genetic evidence.

Fulgent Genetics
Classification: Uncertain significance for Van Maldergem syndrome 2; Hennekam lymphangiectasia-lymphedema syndrome 2. Last evaluated: 2024-06-19. Review status: criteria provided, single submitter. Criteria: ACMG Guidelines, 2015. Collection method: clinical testing. Allele origin: germline.

GeneDx
Classification: Uncertain significance. Last evaluated: 2017-07-31. Review status: criteria provided, single submitter. Criteria: GeneDx Variant Classification (06012015). Collection method: clinical testing. Allele origin: germline. Affected: yes.
Comment: The T3352N variant has not been published as a pathogenic variant, nor has it been reported as a benign variant to our knowledge. The T3352N variant is not observed at a significant frequency in large population cohorts (Lek et al., 2016; 1000 Genomes Consortium et al., 2015; Exome Variant Server). The T3352N variant is a conservative amino acid substitution, which is not likely to impact secondary protein structure as these residues share similar properties. This substitution occurs at a position where amino acids with similar properties to Threonine are tolerated across species. In silico analysis predicts this variant is probably damaging to the protein structure/function. Therefore, based on the currently available information, it is unclear whether this variant is a pathogenic variant or a rare benign variant.

NM_001291303.3(FAT4):c.10061C>A (p.Thr3354Asn)

Gene: FAT4 (FAT atypical cadherin 4; plus strand). Cytogenetic location: 4q28.1.
Variant type: single nucleotide variant.
Coding change: c.10061C>A on transcript NM_001291303.3 (MANE Select); coding-DNA position 10061, C replaced by A.
Protein change: p.Thr3354Asn; replaces threonine 3354 with asparagine.
Molecular consequence: missense variant.
Genome position (GRCh38, 1-based): chr4:125,451,071, C>A. VCF-style: chr4-125451071-C-A. GRCh37 (hg19) VCF-style: chr4-126372226-C-A.
Other names: c.10061C>A, p.Thr3354Asn (NM_001291285.3); c.10055C>A, p.Thr3352Asn (NM_024582.6); c.10061C>A (NM_001291303.1); c.10055C>A (NM_024582.5); short protein forms T3352N, T3354N.
Identifiers: ClinVar variation 449771 (VCV000449771.9), dbSNP rs145285004, ClinGen allele CA3073630.